The following is an entry in ClinVar:

NM_206933.4(USH2A):c.3684T>A (p.Cys1228Ter)

Genes: USH2A (usherin; minus strand), USH2A-AS1 (USH2A antisense RNA 1; plus strand). Cytogenetic location: 1q41.
Variant type: single nucleotide variant.
Coding change: c.3684T>A on transcript NM_206933.4 (MANE Select); coding-DNA position 3684, T replaced by A.
Protein change: p.Cys1228Ter; replaces cysteine 1228 with a stop codon.
Molecular consequence: nonsense.
Genome position (GRCh38, 1-based): chr1:216,199,754, A>T on the plus strand (T>A on the coding strand, the complement: USH2A is on the minus strand). VCF-style: chr1-216199754-A-T. GRCh37 (hg19) VCF-style: chr1-216373096-A-T.
Other names: c.3684T>A, p.Cys1228Ter (NM_007123.6); short protein forms C1228*.
Identifiers: ClinVar variation 1073767 (VCV001073767.9), dbSNP rs2102466516, ClinGen allele CA344867906.

ClinVar aggregate classification (germline): Pathogenic (1 of 4 stars; one submission).

Submission:

Labcorp Genetics (formerly Invitae), Labcorp
Classification: Pathogenic. Last evaluated: 2023-11-24. Review status: criteria provided, single submitter. Criteria: Invitae Variant Classification Sherloc (09022015). Collection method: clinical testing. Allele origin: germline.
Comment: This sequence change creates a premature translational stop signal (p.Cys1228*) in the USH2A gene. It is expected to result in an absent or disrupted protein product. Loss-of-function variants in USH2A are known to be pathogenic (PMID: 10729113, 10909849, 20507924, 25649381). This variant is not present in population databases (gnomAD no frequency). This premature translational stop signal has been observed in individual(s) with Usher syndrome (PMID: 27460420). ClinVar contains an entry for this variant (Variation ID: 1073767). For these reasons, this variant has been classified as Pathogenic.

Literature cited by the submitters: PubMed 10729113; PubMed 10909849; PubMed 20507924; PubMed 25649381; PubMed 27460420.